The following is an entry in ClinVar:

ClinVar aggregate classification (germline): Uncertain significance (1 of 4 stars; one submission).

Allele frequency attached by ClinVar (database versions not stated): ExAC 0.00001.

Submission:

Labcorp Genetics (formerly Invitae), Labcorp
Classification: Uncertain significance. Last evaluated: 2024-01-18. Review status: criteria provided, single submitter. Criteria: Invitae Variant Classification Sherloc (09022015). Collection method: clinical testing. Allele origin: germline.
Comment: This sequence change replaces glutamic acid, which is acidic and polar, with lysine, which is basic and polar, at codon 62 of the LYN protein (p.Glu62Lys). This variant is present in population databases (rs773485609, gnomAD 0.003%). This variant has not been reported in the literature in individuals affected with LYN-related conditions. An algorithm developed to predict the effect of missense changes on protein structure and function (PolyPhen-2) suggests that this variant is likely to be tolerated. In summary, the available evidence is currently insufficient to determine the role of this variant in disease. Therefore, it has been classified as a Variant of Uncertain Significance.

NM_002350.4(LYN):c.184G>A (p.Glu62Lys)

Gene: LYN (LYN proto-oncogene, Src family tyrosine kinase; plus strand). Cytogenetic location: 8q12.1.
Variant type: single nucleotide variant.
Coding change: c.184G>A on transcript NM_002350.4 (MANE Select); coding-DNA position 184, G replaced by A.
Protein change: p.Glu62Lys; replaces glutamic acid 62 with lysine.
Molecular consequence: missense variant.
Genome position (GRCh38, 1-based): chr8:55,947,623, G>A. VCF-style: chr8-55947623-G-A. GRCh37 (hg19) VCF-style: chr8-56860182-G-A.
Other names: c.121G>A, p.Glu41Lys (NM_001111097.3); short protein forms E62K, E41K.
Identifiers: ClinVar variation 2909008 (VCV002909008.3), dbSNP rs773485609, ClinGen allele CA4753948.